The following is an entry in ClinVar:

NM_000051.4(ATM):c.1287C>A (p.Asn429Lys)

Gene: ATM (ATM serine/threonine kinase; plus strand). Cytogenetic location: 11q22.3.
Variant type: single nucleotide variant.
Coding change: c.1287C>A on transcript NM_000051.4 (MANE Select); coding-DNA position 1287, C replaced by A.
Protein change: p.Asn429Lys; replaces asparagine 429 with lysine.
Molecular consequence: missense variant.
Genome position (GRCh38, 1-based): chr11:108,250,752, C>A. VCF-style: chr11-108250752-C-A. GRCh37 (hg19) VCF-style: chr11-108121479-C-A.
Other names: c.1287C>A, p.Asn429Lys (NM_001351834.2); short protein forms N429K.
Identifiers: ClinVar variation 1768991 (VCV001768991.2), dbSNP rs1336509218, ClinGen allele CA382533524.
Genomic context (GRCh38, chr11:108,250,752, plus strand): 5'-TTTTTTTAGGCTACAGATTGCAACCCAATTAATATCAAAGTATCCTGCAAGTTTACCTAA[C>A]TGTGAGCTGTCTCCATTACTGATGATACTATCTCAGCTTCTACCCCAACAGCGACATGGG-3'
Protein context (NP_000042.3, residues 419-439): LISKYPASLP[Asn429Lys]CELSPLLMIL

ClinVar aggregate classification (germline): Uncertain significance (1 of 4 stars; one submission).

Conditions:
Hereditary cancer-predisposing syndrome. Also called: Hereditary Cancer Syndrome; Hereditary neoplastic syndrome; Neoplastic Syndromes, Hereditary; Tumor predisposition. Identifiers: Orphanet 140162, MedGen C0027672, MeSH D009386, MONDO:0015356.

Allele frequency attached by ClinVar (database versions not stated): gnomAD 0.00001.
gnomAD v4.1: 1 of 1,605,178 alleles (0.000062%); highest among the groups gnomAD compares: Non-Finnish European, 0.000085%; no homozygotes.

Submission:

Ambry Genetics
Classification: Uncertain significance for Hereditary cancer-predisposing syndrome. Last evaluated: 2021-08-13. Review status: criteria provided, single submitter. Criteria: Ambry Variant Classification Scheme 2023. Collection method: clinical testing. Allele origin: germline.
Comment: The p.N429K variant (also known as c.1287C>A), located in coding exon 9 of the ATM gene, results from a C to A substitution at nucleotide position 1287. The asparagine at codon 429 is replaced by lysine, an amino acid with similar properties. This amino acid position is conserved. In addition, this alteration is predicted to be tolerated by in silico analysis. Since supporting evidence is limited at this time, the clinical significance of this alteration remains unclear.